The following is an entry in ClinVar:

NM_002778.4(PSAP):c.577-10T>C

Gene: PSAP (prosaposin; minus strand). Cytogenetic location: 10q22.1.
Variant type: single nucleotide variant.
Coding change: c.577-10T>C on transcript NM_002778.4 (MANE Select); 10 bases into the intron before coding-DNA position 577, T replaced by C.
Molecular consequence: intron variant.
Genome position (GRCh38, 1-based): chr10:71,828,167, A>G on the plus strand (T>C on the coding strand, the complement: PSAP is on the minus strand). VCF-style: chr10-71828167-A-G. GRCh37 (hg19) VCF-style: chr10-73587924-A-G.
Other names: c.577-10T>C (NM_001042466.3, NM_001042465.3).
Identifiers: ClinVar variation 300523 (VCV000300523.17), dbSNP rs185892516, ClinGen allele CA5547724.

ClinVar aggregate classification (germline): Conflicting classifications of pathogenicity. Review status: criteria provided, conflicting classifications (1 of 4 stars). 6 submissions from 3 submitters: Uncertain significance (2); Benign (2); Likely benign (2). Last evaluated 2025-12-21.

Conditions:
Krabbe disease due to saposin A deficiency. Also called: KRABBE DISEASE, ATYPICAL, DUE TO SAPOSIN A DEFICIENCY; Saposin A Deficiency. Identifiers: Orphanet 487, MedGen C2673266, MONDO:0012720, OMIM 611722.
Combined PSAP deficiency (PSAPD). Also called: Encephalopathy due to prosaposin deficiency; COMBINED SAP DEFICIENCY; PROSAPOSIN DEFICIENCY. Identifiers: Orphanet 139406, MedGen C2673635, MONDO:0012719, OMIM 611721.
Gaucher disease due to saposin C deficiency. Also called: Saposin C Deficiency; Atypical Gaucher disease due to saposin C deficiency. Identifiers: Orphanet 309252, Orphanet 355, MedGen C1864651, MONDO:0012517, OMIM 610539.
Sphingolipid activator protein 1 deficiency. Also called: Saposin B Deficiency; METACHROMATIC LEUKODYSTROPHY DUE TO CEREBROSIDE SULFATASE ACTIVATOR DEFICIENCY; Metachromatic leukodystrophy due to saposin B deficiency. Identifiers: Orphanet 512, MedGen C0268262, MONDO:0009590, OMIM 249900.

Allele frequency attached by ClinVar (database versions not stated): gnomAD 0.00009 and 0.00014; TOPMed 0.00011; gnomAD exomes 0.00013 and 0.00033; 1000 Genomes Project 30x 0.00031; ExAC 0.00034; 1000 Genomes Project 0.00040.
gnomAD v4.1: 209 of 1,614,164 alleles (0.013%); highest among the groups gnomAD compares: East Asian, 0.46%; no homozygotes.

Submissions (6):

Labcorp Genetics (formerly Invitae), Labcorp
Classification: Benign for Sphingolipid activator protein 1 deficiency. Last evaluated: 2025-12-21. Review status: criteria provided, single submitter. Criteria: Invitae Variant Classification Sherloc (09022015). Collection method: clinical testing. Allele origin: germline.

Blueprint Genetics
Classification: Likely benign. Last evaluated: 2024-04-19. Review status: criteria provided, single submitter. Criteria: ACMG Guidelines, 2015. Collection method: clinical testing. Allele origin: germline.

Illumina Laboratory Services, Illumina
Classification: Likely benign for Combined PSAP deficiency. Last evaluated: 2018-01-12. Review status: criteria provided, single submitter. Criteria: ICSL Variant Classification Criteria 13 December 2019. Collection method: clinical testing. Allele origin: germline.
Comment: This variant was observed in the ICSL laboratory as part of a predisposition screen in an ostensibly healthy population. It had not been previously curated by ICSL or reported in the Human Gene Mutation Database (HGMD: prior to June 1st, 2018), and was therefore a candidate for classification through an automated scoring system. Utilizing variant allele frequency, disease prevalence and penetrance estimates, and inheritance mode, an automated score was calculated to assess if this variant is too frequent to cause the disease. Based on the score and internal cut-off values, a variant classified as likely benign is not then subjected to further curation. The score for this variant resulted in a classification of likely benign for this disease.

Illumina Laboratory Services, Illumina
Classification: Uncertain significance for Krabbe disease due to saposin A deficiency. Last evaluated: 2018-01-12. Review status: criteria provided, single submitter. Criteria: ICSL Variant Classification Criteria 13 December 2019. Collection method: clinical testing. Allele origin: germline.

Illumina Laboratory Services, Illumina
Classification: Uncertain significance for Sphingolipid activator protein 1 deficiency. Last evaluated: 2018-01-12. Review status: criteria provided, single submitter. Criteria: ICSL Variant Classification Criteria 13 December 2019. Collection method: clinical testing. Allele origin: germline.

Illumina Laboratory Services, Illumina
Classification: Benign for Gaucher disease due to saposin C deficiency. Last evaluated: 2018-01-12. Review status: criteria provided, single submitter. Criteria: ICSL Variant Classification Criteria 13 December 2019. Collection method: clinical testing. Allele origin: germline.
Comment: This variant was observed in the ICSL laboratory as part of a predisposition screen in an ostensibly healthy population. It had not been previously curated by ICSL or reported in the Human Gene Mutation Database (HGMD: prior to June 1st, 2018), and was therefore a candidate for classification through an automated scoring system. Utilizing variant allele frequency, disease prevalence and penetrance estimates, and inheritance mode, an automated score was calculated to assess if this variant is too frequent to cause the disease. Based on the score and internal cut-off values, a variant classified as benign is not then subjected to further curation. The score for this variant resulted in a classification of benign for this disease.